The following is an entry in ClinVar:

ClinVar aggregate classification (germline): Likely benign. Review status: criteria provided, single submitter (1 of 4 stars). 2 submissions from 2 submitters: Likely benign (1). 1 of the submissions does not count toward it. Last evaluated 2024-11-18.

Conditions:
F13A1-related disorder. Also called: F13A1-related condition.

gnomAD v4.1: 45 of 1,613,998 alleles (0.0028%); highest among the groups gnomAD compares: African/African-American, 0.021%; no homozygotes.

Submissions (2):

Mayo Clinic Laboratories, Mayo Clinic
Classification: Likely benign. Last evaluated: 2024-11-18. Review status: criteria provided, single submitter. Criteria: ACMG Guidelines, 2015. Collection method: clinical testing. Allele origin: germline. Observed: 1 variant allele.
Comment: BP4, BP7

PreventionGenetics, part of Exact Sciences
Classification: Likely benign for F13A1-related condition. Last evaluated: 2024-09-10. Review status: no assertion criteria provided. Collection method: clinical testing. Allele origin: germline. Not counted in ClinVar's aggregate classification.
Comment: This variant is classified as likely benign based on ACMG/AMP sequence variant interpretation guidelines (Richards et al. 2015 PMID: 25741868, with internal and published modifications).

NM_000129.4(F13A1):c.2160C>T (p.Gly720=)

Gene: F13A1 (coagulation factor XIII A chain; minus strand). Cytogenetic location: 6p25.1.
Variant type: single nucleotide variant.
Coding change: c.2160C>T on transcript NM_000129.4 (MANE Select); coding-DNA position 2160, C replaced by T.
Protein change: p.Gly720=; no amino-acid change (glycine 720 retained).
Molecular consequence: synonymous variant.
Genome position (GRCh38, 1-based): chr6:6,145,658, G>A on the plus strand (C>T on the coding strand, the complement: F13A1 is on the minus strand). VCF-style: chr6-6145658-G-A. GRCh37 (hg19) VCF-style: chr6-6145891-G-A.
Other names: p.Gly720=.
Identifiers: ClinVar variation 3351437 (VCV003351437.2).